The following is an entry in ClinVar:

NM_002691.4(POLD1):c.1066A>G (p.Thr356Ala)

Gene: POLD1 (DNA polymerase delta 1, catalytic subunit; plus strand). Cytogenetic location: 19q13.33.
Variant type: single nucleotide variant.
Coding change: c.1066A>G on transcript NM_002691.4 (MANE Select); coding-DNA position 1066, A replaced by G.
Protein change: p.Thr356Ala; replaces threonine 356 with alanine.
Molecular consequence: missense variant. On other transcripts: non-coding transcript variant (1).
Genome position (GRCh38, 1-based): chr19:50,403,148, A>G. VCF-style: chr19-50403148-A-G. GRCh37 (hg19) VCF-style: chr19-50906405-A-G.
Other names: c.1066A>G, p.Thr356Ala (NM_001256849.1, NM_001308632.1); short protein forms T356A.
Identifiers: ClinVar variation 2496902 (VCV002496902.7), dbSNP rs2038727385, ClinGen allele CA406978239.

ClinVar aggregate classification (germline): Uncertain significance. Review status: criteria provided, multiple submitters, no conflicts (2 of 4 stars). 4 submissions from 4 submitters: Uncertain significance (4). Last evaluated 2025-03-04.

Conditions:
POLD1-related polyposis and colorectal cancer syndrome (CRCS10). Also called: COLORECTAL CANCER, SUSCEPTIBILITY TO, ON CHROMOSOME 19q; Colorectal cancer 10; Colorectal cancer, susceptibility to, 10. Identifiers: Orphanet 220460, MedGen C2675481, MONDO:0012953, OMIM 612591.
Hereditary cancer-predisposing syndrome. Also called: Neoplastic Syndromes, Hereditary; Tumor predisposition; Hereditary Cancer Syndrome; Hereditary neoplastic syndrome. Identifiers: Orphanet 140162, MedGen C0027672, MeSH D009386, MONDO:0015356.

Submissions (4):

Center for Genomic Medicine, Rigshospitalet, Copenhagen University Hospital
Classification: Uncertain significance. Last evaluated: 2025-03-04. Review status: criteria provided, single submitter. Criteria: ACMG Guidelines, 2015. Collection method: clinical testing. Allele origin: germline.

Labcorp Genetics (formerly Invitae), Labcorp
Classification: Uncertain significance for POLD1-related polyposis and colorectal cancer syndrome. Last evaluated: 2023-08-17. Review status: criteria provided, single submitter. Criteria: Invitae Variant Classification Sherloc (09022015). Collection method: clinical testing. Allele origin: germline.
Comment: In summary, the available evidence is currently insufficient to determine the role of this variant in disease. Therefore, it has been classified as a Variant of Uncertain Significance. Advanced modeling of protein sequence and biophysical properties (such as structural, functional, and spatial information, amino acid conservation, physicochemical variation, residue mobility, and thermodynamic stability) performed at Invitae indicates that this missense variant is not expected to disrupt POLD1 protein function. ClinVar contains an entry for this variant (Variation ID: 2496902). This variant has not been reported in the literature in individuals affected with POLD1-related conditions. This variant is not present in population databases (gnomAD no frequency). This sequence change replaces threonine, which is neutral and polar, with alanine, which is neutral and non-polar, at codon 356 of the POLD1 protein (p.Thr356Ala).

Ambry Genetics
Classification: Uncertain significance for Hereditary cancer-predisposing syndrome. Last evaluated: 2023-01-05. Review status: criteria provided, single submitter. Criteria: Ambry Variant Classification Scheme 2023. Collection method: clinical testing. Allele origin: germline.
Comment: The p.T356A variant (also known as c.1066A>G), located in coding exon 8 of the POLD1 gene, results from an A to G substitution at nucleotide position 1066. The threonine at codon 356 is replaced by alanine, an amino acid with similar properties. This amino acid position is conserved. In addition, this alteration is predicted to be tolerated by in silico analysis. Since supporting evidence is limited at this time, the clinical significance of this alteration remains unclear.

Blueprint Genetics
Classification: Uncertain significance. Last evaluated: 2020-09-20. Review status: criteria provided, single submitter. Criteria: ACMG Guidelines, 2015. Collection method: clinical testing. Allele origin: germline.